The following is an entry in ClinVar:

ClinVar aggregate classification (germline): Uncertain significance. Review status: criteria provided, multiple submitters, no conflicts (2 of 4 stars). 2 submissions from 2 submitters: Uncertain significance (2). Last evaluated 2025-08-12.

Conditions:
Inborn genetic diseases. Identifiers: MedGen C0950123, MeSH D030342.

Allele frequency attached by ClinVar (database versions not stated): TOPMed 0.00006; gnomAD 0.00007; ESP Exome Variant Server 0.00008; gnomAD exomes 0.00009; ExAC 0.00017; 1000 Genomes Project 0.00040; 1000 Genomes Project 30x 0.00047.
gnomAD v4.1: 154 of 1,608,416 alleles (0.0096%); highest among the groups gnomAD compares: Middle Eastern, 0.051%; no homozygotes.

Submissions (2):

Labcorp Genetics (formerly Invitae), Labcorp
Classification: Uncertain significance. Last evaluated: 2025-08-12. Review status: criteria provided, single submitter. Criteria: Invitae Variant Classification Sherloc (09022015). Collection method: clinical testing. Allele origin: germline.
Comment: This sequence change replaces alanine, which is neutral and non-polar, with valine, which is neutral and non-polar, at codon 2609 of the LAMA5 protein (p.Ala2609Val). This variant is present in population databases (rs144854790, gnomAD 0.02%). This variant has not been reported in the literature in individuals affected with LAMA5-related conditions. ClinVar contains an entry for this variant (Variation ID: 2185075). Invitae Evidence Modeling of protein sequence and biophysical properties (such as structural, functional, and spatial information, amino acid conservation, physicochemical variation, residue mobility, and thermodynamic stability) indicates that this missense variant is not expected to disrupt LAMA5 protein function with a negative predictive value of 80%. In summary, the available evidence is currently insufficient to determine the role of this variant in disease. Therefore, it has been classified as a Variant of Uncertain Significance.

Ambry Genetics
Classification: Uncertain significance for Inborn genetic diseases. Last evaluated: 2024-12-10. Review status: criteria provided, single submitter. Criteria: Ambry Variant Classification Scheme 2023. Collection method: clinical testing. Allele origin: germline.

NM_005560.6(LAMA5):c.7826C>T (p.Ala2609Val)

Gene: LAMA5 (laminin subunit alpha 5; minus strand). Cytogenetic location: 20q13.33.
Variant type: single nucleotide variant.
Coding change: c.7826C>T on transcript NM_005560.6 (MANE Select); coding-DNA position 7826, C replaced by T.
Protein change: p.Ala2609Val; replaces alanine 2609 with valine.
Molecular consequence: missense variant.
Genome position (GRCh38, 1-based): chr20:62,315,989, G>A on the plus strand (C>T on the coding strand, the complement: LAMA5 is on the minus strand). VCF-style: chr20-62315989-G-A. GRCh37 (hg19) VCF-style: chr20-60891045-G-A.
Other names: c.7826C>T (NM_005560.3); short protein forms A2609V.
Identifiers: ClinVar variation 2185075 (VCV002185075.5), dbSNP rs144854790, ClinGen allele CA9941020.